The following is an entry in ClinVar:

ClinVar aggregate classification (germline): Uncertain significance. Review status: criteria provided, multiple submitters, no conflicts (2 of 4 stars). 2 submissions from 2 submitters: Uncertain significance (2). Last evaluated 2025-10-23.

Conditions:
Severe combined immunodeficiency due to DNA-PKcs deficiency. Also called: IMMUNODEFICIENCY 26 WITH NEUROLOGIC ABNORMALITIES; Immunodeficiency 26 with or without neurologic abnormalities. Identifiers: Orphanet 317425, MedGen C4014833, MONDO:0014423, OMIM 615966.

Allele frequency attached by ClinVar (database versions not stated): TOPMed below 0.00001; gnomAD 0.00001; gnomAD exomes 0.00002; ExAC 0.00006.

Submissions (2):

Labcorp Genetics (formerly Invitae), Labcorp
Classification: Uncertain significance for Severe combined immunodeficiency due to DNA-PKcs deficiency. Last evaluated: 2025-10-23. Review status: criteria provided, single submitter. Criteria: Invitae Variant Classification Sherloc (09022015). Collection method: clinical testing. Allele origin: germline.
Comment: This sequence change replaces lysine, which is basic and polar, with glutamic acid, which is acidic and polar, at codon 1038 of the PRKDC protein (p.Lys1038Glu). This variant is present in population databases (rs761983161, gnomAD 0.04%). This variant has not been reported in the literature in individuals affected with PRKDC-related conditions. ClinVar contains an entry for this variant (Variation ID: 2292261). Invitae Evidence Modeling of protein sequence and biophysical properties (such as structural, functional, and spatial information, amino acid conservation, physicochemical variation, residue mobility, and thermodynamic stability) indicates that this missense variant is not expected to disrupt PRKDC protein function with a negative predictive value of 80%. In summary, the available evidence is currently insufficient to determine the role of this variant in disease. Therefore, it has been classified as a Variant of Uncertain Significance.

Ambry Genetics
Classification: Uncertain significance. Last evaluated: 2022-05-27. Review status: criteria provided, single submitter. Criteria: Ambry Variant Classification Scheme 2023. Collection method: clinical testing. Allele origin: germline.

NM_006904.7(PRKDC):c.3112A>G (p.Lys1038Glu)

Gene: PRKDC (protein kinase, DNA-activated, catalytic subunit; minus strand). Cytogenetic location: 8q11.21.
Variant type: single nucleotide variant.
Coding change: c.3112A>G on transcript NM_006904.7 (MANE Select); coding-DNA position 3112, A replaced by G.
Protein change: p.Lys1038Glu; replaces lysine 1038 with glutamic acid.
Molecular consequence: missense variant.
Genome position (GRCh38, 1-based): chr8:47,902,726, T>C on the plus strand (A>G on the coding strand, the complement: PRKDC is on the minus strand). VCF-style: chr8-47902726-T-C. GRCh37 (hg19) VCF-style: chr8-48815286-T-C.
Other names: c.3112A>G, p.Lys1038Glu (NM_001081640.2); short protein forms K1038E.
Identifiers: ClinVar variation 2292261 (VCV002292261.3), dbSNP rs761983161, ClinGen allele CA4741266.